The following is an entry in ClinVar:

ClinVar aggregate classification (germline): Uncertain significance (1 of 4 stars; one submission).

Conditions:
Cardiovascular phenotype. Identifiers: MedGen CN230736.

gnomAD v4.1: 2 of 1,515,126 alleles (0.00013%); highest among the groups gnomAD compares: Non-Finnish European, 0.00018%; no homozygotes.

Submission:

Ambry Genetics
Classification: Uncertain significance for Cardiovascular phenotype. Last evaluated: 2024-11-05. Review status: criteria provided, single submitter. Criteria: Ambry Variant Classification Scheme 2023. Collection method: clinical testing. Allele origin: germline.
Comment: The p.Q944R variant (also known as c.2831A>G), located in coding exon 1 of the ZNF469 gene, results from an A to G substitution at nucleotide position 2831. The glutamine at codon 944 is replaced by arginine, an amino acid with highly similar properties. This amino acid position is conserved. In addition, this alteration is predicted to be tolerated by in silico analysis. Based on the available evidence, the clinical significance of this variant remains unclear.

NM_001367624.2(ZNF469):c.2831A>G (p.Gln944Arg)

Gene: ZNF469 (zinc finger protein 469; plus strand). Cytogenetic location: 16q24.2.
Variant type: single nucleotide variant.
Coding change: c.2831A>G on transcript NM_001367624.2 (MANE Select); coding-DNA position 2831, A replaced by G.
Protein change: p.Gln944Arg; replaces glutamine 944 with arginine.
Molecular consequence: missense variant.
Genome position (GRCh38, 1-based): chr16:88,430,301, A>G. VCF-style: chr16-88430301-A-G. GRCh37 (hg19) VCF-style: chr16-88496709-A-G.
Other names: NM_001127464.1:c.2831A>G; short protein forms Q944R.
Identifiers: ClinVar variation 3476266 (VCV003476266.1).
Genomic context (GRCh38, chr16:88,430,301, plus strand): 5'-CCAAAACGCGTTCCCTGGGTCTGGCCCCCACCGAGGCGGATGCGCCCAGCCAGGGCAGGC[A>G]GCAGAGGAGGGGGAAGCAGTTGAAGCTGTTCCGGAAGGATCTGGACTCGGGCGGCGCAGC-3'
Protein context (NP_001354553.1, residues 934-954): TEADAPSQGR[Gln944Arg]QRRGKQLKLF